The following is an entry in ClinVar:

NM_020686.6(ABAT):c.749G>A (p.Arg250Gln)

Gene: ABAT (4-aminobutyrate aminotransferase; plus strand). Cytogenetic location: 16p13.2.
Variant type: single nucleotide variant.
Coding change: c.749G>A on transcript NM_020686.6 (MANE Select); coding-DNA position 749, G replaced by A.
Protein change: p.Arg250Gln; replaces arginine 250 with glutamine.
Molecular consequence: missense variant.
Genome position (GRCh38, 1-based): chr16:8,768,906, G>A. VCF-style: chr16-8768906-G-A. GRCh37 (hg19) VCF-style: chr16-8862763-G-A.
Other names: c.749G>A, p.Arg250Gln (NM_000663.5, NM_001127448.2, NM_001386600.1 and 7 more transcripts); c.686G>A, p.Arg229Gln (NM_001386606.1, NM_001386607.1); c.656G>A, p.Arg219Gln (NM_001386608.1); c.614G>A, p.Arg205Gln (NM_001386610.1, NM_001386611.1); c.551G>A, p.Arg184Gln (NM_001386612.1, NM_001386613.1); c.503G>A, p.Arg168Gln (NM_001386614.1); c.845G>A, p.Arg282Gln (NM_001386615.1); short protein forms R250Q, R168Q, R184Q, R205Q, R219Q, R229Q, R282Q.
Identifiers: ClinVar variation 460330 (VCV000460330.6), dbSNP rs375002262, ClinGen allele CA7893281.

ClinVar aggregate classification (germline): Uncertain significance. Review status: criteria provided, multiple submitters, no conflicts (2 of 4 stars). 2 submissions from 2 submitters: Uncertain significance (2). Last evaluated 2023-08-04.

Conditions:
Gamma-aminobutyric acid transaminase deficiency (GABATD). Also called: GABA transaminase deficiency; Gamma aminobutyrate transaminase deficiency; 4 alpha aminobutyrate transaminase deficiency; GABA aminotransaminase deficiency. Identifiers: Orphanet 2066, MedGen C0342708, MONDO:0013166, OMIM 613163.

Allele frequency attached by ClinVar (database versions not stated): TOPMed 0.00004.
gnomAD v4.1: 68 of 1,613,996 alleles (0.0042%); highest among the groups gnomAD compares: South Asian, 0.022%; 2 homozygotes.

Submissions (2):

Labcorp Genetics (formerly Invitae), Labcorp
Classification: Uncertain significance for Gamma-aminobutyric acid transaminase deficiency. Last evaluated: 2023-08-04. Review status: criteria provided, single submitter. Criteria: Invitae Variant Classification Sherloc (09022015). Collection method: clinical testing. Allele origin: germline.
Comment: In summary, the available evidence is currently insufficient to determine the role of this variant in disease. Therefore, it has been classified as a Variant of Uncertain Significance. Algorithms developed to predict the effect of sequence changes on RNA splicing suggest that this variant may create or strengthen a splice site. Advanced modeling of protein sequence and biophysical properties (such as structural, functional, and spatial information, amino acid conservation, physicochemical variation, residue mobility, and thermodynamic stability) performed at Invitae indicates that this missense variant is not expected to disrupt ABAT protein function. ClinVar contains an entry for this variant (Variation ID: 460330). This variant has not been reported in the literature in individuals affected with ABAT-related conditions. This variant is present in population databases (rs375002262, gnomAD 0.03%). This sequence change replaces arginine, which is basic and polar, with glutamine, which is neutral and polar, at codon 250 of the ABAT protein (p.Arg250Gln).

Breakthrough Genomics
Classification: Uncertain significance. Review status: criteria provided, single submitter. Criteria: ACMG Guidelines, 2015. Collection method: not provided. Allele origin: germline. Inheritance: Autosomal recessive inheritance. Affected: yes.